The following is an entry in ClinVar:

ClinVar aggregate classification (germline): Likely benign. Review status: criteria provided, single submitter (1 of 4 stars). 2 submissions from 2 submitters: Likely benign (1). 1 of the submissions does not count toward it. Last evaluated 2021-08-11.

Conditions:
DYRK1B-related disorder. Also called: DYRK1B-related condition.

Allele frequency attached by ClinVar (database versions not stated): gnomAD 0.00002 and 0.00003; gnomAD exomes 0.00002 and 0.00004; TOPMed 0.00002; ExAC 0.00010.

Submissions (2):

Labcorp Genetics (formerly Invitae), Labcorp
Classification: Likely benign. Last evaluated: 2021-08-11. Review status: criteria provided, single submitter. Criteria: Invitae Variant Classification Sherloc (09022015). Collection method: clinical testing. Allele origin: germline.

PreventionGenetics, part of Exact Sciences
Classification: Likely benign for DYRK1B-related condition. Last evaluated: 2022-02-17. Review status: no assertion criteria provided. Collection method: clinical testing. Allele origin: germline. Not counted in ClinVar's aggregate classification.
Comment: This variant is classified as likely benign based on ACMG/AMP sequence variant interpretation guidelines (Richards et al. 2015 PMID: 25741868, with internal and published modifications).

NM_004714.3(DYRK1B):c.1392C>G (p.Ala464=)

Gene: DYRK1B (dual specificity tyrosine phosphorylation regulated kinase 1B; minus strand). Cytogenetic location: 19q13.2.
Variant type: single nucleotide variant.
Coding change: c.1392C>G on transcript NM_004714.3 (MANE Select); coding-DNA position 1392, C replaced by G.
Protein change: p.Ala464=; no amino-acid change (alanine 464 retained).
Molecular consequence: synonymous variant.
Genome position (GRCh38, 1-based): chr19:39,826,691, G>C on the plus strand (C>G on the coding strand, the complement: DYRK1B is on the minus strand). VCF-style: chr19-39826691-G-C. GRCh37 (hg19) VCF-style: chr19-40317331-G-C.
Other names: c.1272C>G, p.Ala424= (NM_006483.3); c.1308C>G, p.Ala436= (NM_006484.3).
Identifiers: ClinVar variation 762925 (VCV000762925.10), dbSNP rs773231614, ClinGen allele CA9434058.